The following is an entry in ClinVar:

NM_032776.3(JMJD1C):c.1547C>G (p.Thr516Ser)

Gene: JMJD1C (jumonji domain containing 1C; minus strand). Cytogenetic location: 10q21.3.
Variant type: single nucleotide variant.
Coding change: c.1547C>G on transcript NM_032776.3 (MANE Select); coding-DNA position 1547, C replaced by G.
Protein change: p.Thr516Ser; replaces threonine 516 with serine.
Molecular consequence: missense variant. On other transcripts: non-coding transcript variant (1).
Genome position (GRCh38, 1-based): chr10:63,214,620, G>C on the plus strand (C>G on the coding strand, the complement: JMJD1C is on the minus strand). VCF-style: chr10-63214620-G-C. GRCh37 (hg19) VCF-style: chr10-64974380-G-C.
Other names: c.1001C>G, p.Thr334Ser (NM_001282948.2, NM_001318154.2); c.683C>G, p.Thr228Ser (NM_001318153.2); c.1433C>G, p.Thr478Ser (NM_001322252.2); c.890C>G, p.Thr297Ser (NM_001322254.2, NM_001322258.2); short protein forms T516S, T297S, T478S, T228S, T334S.
Identifiers: ClinVar variation 460220 (VCV000460220.16), dbSNP rs41274074, ClinGen allele CA5518785.

ClinVar aggregate classification (germline): Benign. Review status: criteria provided, multiple submitters, no conflicts (2 of 4 stars). 4 submissions from 4 submitters: Benign (3). 1 of the submissions does not count toward it. Last evaluated 2026-02-03.

Conditions:
JMJD1C-related disorder. Also called: JMJD1C-related condition.
Early Myoclonic Encephalopathy. Identifiers: MedGen C0270855.

Allele frequency attached by ClinVar (database versions not stated): gnomAD 0.03524 and 0.03270; 1000 Genomes Project 30x 0.06699; TOPMed 0.03949; ESP Exome Variant Server 0.02104; 1000 Genomes Project 0.07188; ExAC 0.04722.
gnomAD v4.1: 56,942 of 1,613,868 alleles (3.5%); highest among the groups gnomAD compares: East Asian, 23%; 2,342 homozygotes.

Submissions (9):

Labcorp Genetics (formerly Invitae), Labcorp
Classification: Benign for Early Myoclonic Encephalopathy. Last evaluated: 2026-02-03. Review status: criteria provided, single submitter. Criteria: Invitae Variant Classification Sherloc (09022015). Collection method: clinical testing. Allele origin: germline.

GeneDx
Classification: Benign. Last evaluated: 2022-03-31. Review status: criteria provided, single submitter. Criteria: GeneDx Variant Classification Process June 2021. Collection method: clinical testing. Allele origin: germline. Affected: yes.

Breakthrough Genomics
Classification: Benign. Review status: criteria provided, single submitter. Criteria: ACMG Guidelines, 2015. Collection method: not provided. Allele origin: germline. Inheritance: Unknown mechanism. Affected: yes.

PreventionGenetics, part of Exact Sciences
Classification: Benign for JMJD1C-related condition. Last evaluated: 2019-03-21. Review status: no assertion criteria provided. Collection method: clinical testing. Allele origin: germline. Not counted in ClinVar's aggregate classification.
Comment: This variant is classified as benign based on ACMG/AMP sequence variant interpretation guidelines (Richards et al. 2015 PMID: 25741868, with internal and published modifications).

Dr. Peter K. Rogan Lab, Western University
No classification provided (evidence only). Condition: Lung cancer. Review status: no classification provided. Collection method: in vitro. Allele origin: not applicable. Functional consequence: retained intron. Not counted in ClinVar's aggregate classification.

Dr. Peter K. Rogan Lab, Western University
No classification provided (evidence only). Condition: Lung cancer. Review status: no classification provided. Collection method: in vitro. Allele origin: not applicable. Functional consequence: retained intron. Not counted in ClinVar's aggregate classification.

Dr. Peter K. Rogan Lab, Western University
No classification provided (evidence only). Condition: Uterine corpus endometrial carcinoma. Review status: no classification provided. Collection method: in vitro. Allele origin: not applicable. Functional consequence: retained intron. Not counted in ClinVar's aggregate classification.

Dr. Peter K. Rogan Lab, Western University
No classification provided (evidence only). Condition: Thymoma. Review status: no classification provided. Collection method: in vitro. Allele origin: not applicable. Functional consequence: retained intron. Not counted in ClinVar's aggregate classification.

Dr. Peter K. Rogan Lab, Western University
No classification provided (evidence only). Condition: Cholangiocarcinoma. Review status: no classification provided. Collection method: in vitro. Allele origin: not applicable. Functional consequence: retained intron. Not counted in ClinVar's aggregate classification.